The following is an entry in ClinVar:

NM_000760.4(CSF3R):c.340C>T (p.Gln114Ter)

Gene: CSF3R (colony stimulating factor 3 receptor; minus strand). Cytogenetic location: 1p34.3.
Variant type: single nucleotide variant.
Coding change: c.340C>T on transcript NM_000760.4 (MANE Select); coding-DNA position 340, C replaced by T.
Protein change: p.Gln114Ter; replaces glutamine 114 with a stop codon.
Molecular consequence: nonsense.
Genome position (GRCh38, 1-based): chr1:36,475,398, G>A on the plus strand (C>T on the coding strand, the complement: CSF3R is on the minus strand). VCF-style: chr1-36475398-G-A. GRCh37 (hg19) VCF-style: chr1-36940999-G-A.
Other names: c.340C>T, p.Gln114Ter (NM_156039.3, NM_172313.3); short protein forms Q114*.
Identifiers: ClinVar variation 812885 (VCV000812885.10), dbSNP rs756667927, ClinGen allele CA20751668.

ClinVar aggregate classification (germline): Pathogenic/Likely pathogenic. Review status: criteria provided, multiple submitters, no conflicts (2 of 4 stars). 3 submissions from 3 submitters: Pathogenic (1); Likely pathogenic (1). 1 of the submissions does not count toward it. Last evaluated 2024-07-31.

Conditions:
Autosomal recessive severe congenital neutropenia due to CSF3R deficiency. Also called: Neutropenia, severe congenital, 7, autosomal recessive. Identifiers: Orphanet 420702, MedGen C4310764, MONDO:0014865, OMIM 617014.
Severe congenital neutropenia (SCN). Identifiers: Orphanet 42738, MedGen C1853118, MONDO:0018542.

Allele frequency attached by ClinVar (database versions not stated): gnomAD exomes below 0.00001 and 0.00006; TOPMed 0.00001; gnomAD 0.00001.

Submissions (3):

Labcorp Genetics (formerly Invitae), Labcorp
Classification: Pathogenic for Autosomal recessive severe congenital neutropenia due to CSF3R deficiency. Last evaluated: 2024-07-31. Review status: criteria provided, single submitter. Criteria: Invitae Variant Classification Sherloc (09022015). Collection method: clinical testing. Allele origin: germline.
Comment: This sequence change creates a premature translational stop signal (p.Gln114*) in the CSF3R gene. It is expected to result in an absent or disrupted protein product. Loss-of-function variants in CSF3R are known to be pathogenic (PMID: 24753537, 26324699). This variant is present in population databases (rs756667927, gnomAD 0.0009%). This premature translational stop signal has been observed in individual(s) with clinical features of CSF3R-related conditions (PMID: 32581362). ClinVar contains an entry for this variant (Variation ID: 812885). Algorithms developed to predict the effect of sequence changes on RNA splicing suggest that this variant may disrupt the consensus splice site. For these reasons, this variant has been classified as Pathogenic.

Genetic Services Laboratory, University of Chicago
Classification: Likely pathogenic. Last evaluated: 2024-03-06. Review status: criteria provided, single submitter. Criteria: ACMG Guidelines, 2015. Collection method: clinical testing. Allele origin: germline. Affected: yes.
Comment: DNA sequence analysis of the CSF3R gene demonstrated a sequence change, c.340C>T, which results in the creation of a premature stop codon at amino acid position 114, p.Gln114*. This sequence change is predicted to result in an abnormal transcript, which may be degraded, or may lead to the production of a truncated CSF3R protein with potentially abnormal function. This sequence change has been described in the gnomAD database with an overall frequency of 0.0004% (dbSNP rs756667927). This sequence change has previously been described in an individual with hemolytic anemia with another splice site variant in the same gene (PMID: 32581362). It was also reported in an individual with congenital neutropenia (PMID: 30891028). Other loss-of-function variants in CSF3R have been reported in individuals with neutropenia (PMID: 24753537, 26324699). These collective evidences indicate that this sequence change is likely pathogenic, however functional studies have not been performed to prove this conclusively.

NIHR Bioresource Rare Diseases, University of Cambridge
Classification: Likely pathogenic. Review status: no assertion criteria provided. Collection method: research. Allele origin: unknown. Affected: yes. Observed: 1 variant allele. Not counted in ClinVar's aggregate classification.

Literature cited by the submitters: PubMed 24753537 (cited by Labcorp Genetics (formerly Invitae), Labcorp); PubMed 26324699 (cited by Labcorp Genetics (formerly Invitae), Labcorp); PubMed 32581362 (cited by Labcorp Genetics (formerly Invitae), Labcorp and NIHR Bioresource Rare Diseases, University of Cambridge).